The following is an entry in ClinVar:

ClinVar aggregate classification (germline): Uncertain significance. Review status: criteria provided, multiple submitters, no conflicts (2 of 4 stars). 2 submissions from 2 submitters: Uncertain significance (2). Last evaluated 2025-09-05.

gnomAD v4.1: 1 of 1,613,800 alleles (0.000062%); highest among the groups gnomAD compares: Non-Finnish European, 0.000085%; no homozygotes.

Submissions (2):

Ambry Genetics
Classification: Uncertain significance. Last evaluated: 2025-09-05. Review status: criteria provided, single submitter. Criteria: Ambry Variant Classification Scheme 2023. Collection method: clinical testing. Allele origin: germline.

Labcorp Genetics (formerly Invitae), Labcorp
Classification: Uncertain significance. Last evaluated: 2022-07-31. Review status: criteria provided, single submitter. Criteria: Invitae Variant Classification Sherloc (09022015). Collection method: clinical testing. Allele origin: germline.
Comment: In summary, the available evidence is currently insufficient to determine the role of this variant in disease. Therefore, it has been classified as a Variant of Uncertain Significance. Algorithms developed to predict the effect of missense changes on protein structure and function (SIFT, PolyPhen-2, Align-GVGD) all suggest that this variant is likely to be tolerated. This variant has not been reported in the literature in individuals affected with LZTS1-related conditions. This variant is not present in population databases (gnomAD no frequency). This sequence change replaces glycine, which is neutral and non-polar, with aspartic acid, which is acidic and polar, at codon 240 of the LZTS1 protein (p.Gly240Asp).

NM_021020.5(LZTS1):c.719G>A (p.Gly240Asp)

Gene: LZTS1 (leucine zipper tumor suppressor 1; minus strand). Cytogenetic location: 8p21.3.
Variant type: single nucleotide variant.
Coding change: c.719G>A on transcript NM_021020.5 (MANE Select); coding-DNA position 719, G replaced by A.
Protein change: p.Gly240Asp; replaces glycine 240 with aspartic acid.
Molecular consequence: missense variant.
Genome position (GRCh38, 1-based): chr8:20,253,212, C>T on the plus strand (G>A on the coding strand, the complement: LZTS1 is on the minus strand). VCF-style: chr8-20253212-C-T. GRCh37 (hg19) VCF-style: chr8-20110723-C-T.
Other names: c.719G>A (NM_021020.2); c.719G>A, p.Gly240Asp (NM_001362884.2); short protein forms G240D.
Identifiers: ClinVar variation 2413571 (VCV002413571.7), dbSNP rs770987246, ClinGen allele CA370477678.